The following is an entry in ClinVar:

NM_002878.4(RAD51D):c.199A>G (p.Asn67Asp)

Genes: RAD51L3-RFFL (RAD51L3-RFFL readthrough; minus strand), RAD51D (RAD51 paralog D; minus strand). Cytogenetic location: 17q12.
Variant type: single nucleotide variant.
Coding change: c.199A>G on transcript NM_002878.4 (MANE Select); coding-DNA position 199, A replaced by G.
Protein change: p.Asn67Asp; replaces asparagine 67 with aspartic acid.
Molecular consequence: missense variant. On other transcripts: intron variant (2).
Genome position (GRCh38, 1-based): chr17:35,118,565, T>C on the plus strand (A>G on the coding strand, the complement: RAD51D is on the minus strand). VCF-style: chr17-35118565-T-C. GRCh37 (hg19) VCF-style: chr17-33445584-T-C.
Other names: c.144+546A>G (NM_133629.3, NM_001142571.2); short protein forms N67D.
Identifiers: ClinVar variation 1465033 (VCV001465033.6), dbSNP rs2142474302, ClinGen allele CA399091385.
Genomic context (GRCh38, chr17:35,118,565, plus strand): 5'-CAATGCCAGTGGACAGGATGGCAGTGGAGGTCTTCAGTTCCTCGTAGAGATCAGCGCCAT[T>C]CACGGGGAAAGCCGAGAACTGAGCCAGCAGCACCCGCCTCAGGGCAACCAGGGCCTGCCA-3'
Protein context (NP_002869.3, residues 57-77): LLAQFSAFPV[Asn67Asp]GADLYEELKT

ClinVar aggregate classification (germline): Uncertain significance (1 of 4 stars; one submission).

Conditions:
Breast-ovarian cancer, familial, susceptibility to, 4. Identifiers: Orphanet 145, MedGen C3280345, MONDO:0013669, OMIM 614291.

Submission:

Labcorp Genetics (formerly Invitae), Labcorp
Classification: Uncertain significance for Breast-ovarian cancer, familial, susceptibility to, 4. Last evaluated: 2021-10-02. Review status: criteria provided, single submitter. Criteria: Invitae Variant Classification Sherloc (09022015). Collection method: clinical testing. Allele origin: germline.
Comment: In summary, the available evidence is currently insufficient to determine the role of this variant in disease. Therefore, it has been classified as a Variant of Uncertain Significance. Algorithms developed to predict the effect of missense changes on protein structure and function (SIFT, PolyPhen-2, Align-GVGD) all suggest that this variant is likely to be tolerated. This variant has not been reported in the literature in individuals affected with RAD51D-related conditions. This variant is not present in population databases (ExAC no frequency). This sequence change replaces asparagine with aspartic acid at codon 67 of the RAD51D protein (p.Asn67Asp). The asparagine residue is weakly conserved and there is a small physicochemical difference between asparagine and aspartic acid.